The following is an entry in ClinVar:

ClinVar aggregate classification (germline): Conflicting classifications of pathogenicity. Review status: criteria provided, conflicting classifications (1 of 4 stars). 4 submissions from 4 submitters: Likely pathogenic (2); Uncertain significance (2). Last evaluated 2025-11-07.

Conditions:
Megalencephaly-polymicrogyria-polydactyly-hydrocephalus syndrome 2 (MPPH2). Also called: MEGALENCEPHALY-POLYMICROGYRIA-POLYDACTYLY-HYDROCEPHALUS SYNDROME 2, SOMATIC. Identifiers: Orphanet 83473, MedGen C4014738, MONDO:0014407, OMIM 615937.
AKT3-related disorder. Also called: AKT3-related condition.

Submissions (4):

GeneDx
Classification: Uncertain significance. Last evaluated: 2025-11-07. Review status: criteria provided, single submitter. Criteria: GeneDx Variant Classification Process June 2021. Collection method: clinical testing. Allele origin: germline.
Comment: De novo variant with confirmed parentage in patients referred for genetic testing at GeneDx and in published literature with reported clinical features that are only partially consistent with the features typically observed in individuals with pathogenic variants in this gene (PMID: 39039281); Not observed at significant frequency in large population cohorts (gnomAD); In silico analysis suggests that this missense variant does not alter protein structure/function; This variant is associated with the following publications: (PMID: 39039281)

PreventionGenetics, part of Exact Sciences
Classification: Uncertain significance for AKT3-related condition. Last evaluated: 2025-06-01. Review status: criteria provided, single submitter. Criteria: ACMG Guidelines, 2015. Collection method: clinical testing. Allele origin: germline.
Comment: The AKT3 c.1330A>G variant is predicted to result in the amino acid substitution p.Ile444Val. To our knowledge, this variant has not been reported in the literature or in a large population database (gnomAD), indicating this variant is rare. At this time, the clinical significance of this variant is uncertain due to the absence of conclusive functional and genetic evidence.

CeGaT Center for Human Genetics Tuebingen
Classification: Likely pathogenic. Last evaluated: 2020-03-01. Review status: criteria provided, single submitter. Criteria: CeGaT Center For Human Genetics Tuebingen Variant Classification Criteria Version 2. Collection method: clinical testing. Allele origin: germline. Affected: yes. Observed: 1 variant allele.

Institute of Human Genetics Munich, TUM University Hospital
Classification: Likely pathogenic for Megalencephaly-polymicrogyria-polydactyly-hydrocephalus syndrome 2. Last evaluated: 2019-06-07. Review status: criteria provided, single submitter. Criteria: Classification criteria August 2017. Collection method: clinical testing. Allele origin: de novo. Inheritance: Autosomal dominant inheritance. Affected: yes. Observed: 1 heterozygote.

NM_005465.7(AKT3):c.1330A>G (p.Ile444Val)

Gene: AKT3 (AKT serine/threonine kinase 3; minus strand). Cytogenetic location: 1q44.
Variant type: single nucleotide variant.
Coding change: c.1330A>G on transcript NM_005465.7 (MANE Select); coding-DNA position 1330, A replaced by G.
Protein change: p.Ile444Val; replaces isoleucine 444 with valine.
Molecular consequence: missense variant.
Genome position (GRCh38, 1-based): chr1:243,512,348, T>C on the plus strand (A>G on the coding strand, the complement: AKT3 is on the minus strand). VCF-style: chr1-243512348-T-C. GRCh37 (hg19) VCF-style: chr1-243675650-T-C.
Other names: c.1330A>G, p.Ile444Val (NM_001206729.2, NM_001370074.1, NM_181690.2); c.1330A>G (NM_005465.4); short protein forms I444V.
Identifiers: ClinVar variation 807366 (VCV000807366.48), dbSNP rs1574509510, ClinGen allele CA345668622.